The following is an entry in ClinVar:

NM_006383.4(CIB2):c.124G>A (p.Val42Ile)

Gene: CIB2 (calcium and integrin binding family member 2; minus strand). Cytogenetic location: 15q25.1.
Variant type: single nucleotide variant.
Coding change: c.124G>A on transcript NM_006383.4 (MANE Select); coding-DNA position 124, G replaced by A.
Protein change: p.Val42Ile; replaces valine 42 with isoleucine.
Molecular consequence: missense variant. On other transcripts: 5 prime UTR variant (1), intron variant (2).
Genome position (GRCh38, 1-based): chr15:78,111,239, C>T on the plus strand (G>A on the coding strand, the complement: CIB2 is on the minus strand). VCF-style: chr15-78111239-C-T. GRCh37 (hg19) VCF-style: chr15-78403581-C-T.
Other names: c.124G>A (NM_006383.2); c.-6G>A (NM_001271888.2); c.52-1857G>A (NM_001271889.2); c.87-1730G>A (NM_001301224.2); short protein forms V42I.
Identifiers: ClinVar variation 963266 (VCV000963266.12), dbSNP rs756400008, ClinGen allele CA7680332.

ClinVar aggregate classification (germline): Uncertain significance. Review status: criteria provided, multiple submitters, no conflicts (2 of 4 stars). 4 submissions from 4 submitters: Uncertain significance (4). Last evaluated 2025-01-18.

Conditions:
Inborn genetic diseases. Identifiers: MedGen C0950123, MeSH D030342.

Allele frequency attached by ClinVar (database versions not stated): ExAC 0.00001; gnomAD 0.00001; gnomAD exomes 0.00002; TOPMed 0.00003.
gnomAD v4.1: 33 of 1,614,108 alleles (0.002%); highest among the groups gnomAD compares: Middle Eastern, 0.049%; no homozygotes.

Submissions (4):

Ambry Genetics
Classification: Uncertain significance for Inborn genetic diseases. Last evaluated: 2025-01-18. Review status: criteria provided, single submitter. Criteria: Ambry Variant Classification Scheme 2023. Collection method: clinical testing. Allele origin: germline.

GeneDx
Classification: Uncertain significance. Last evaluated: 2024-08-01. Review status: criteria provided, single submitter. Criteria: GeneDx Variant Classification Process June 2021. Collection method: clinical testing. Allele origin: germline. Affected: yes.
Comment: Not observed at significant frequency in large population cohorts (gnomAD); In silico analysis indicates that this missense variant does not alter protein structure/function; Has not been previously published as pathogenic or benign to our knowledge

Blueprint Genetics
Classification: Uncertain significance. Last evaluated: 2024-04-12. Review status: criteria provided, single submitter. Criteria: ACMG Guidelines, 2015. Collection method: clinical testing. Allele origin: germline.

Labcorp Genetics (formerly Invitae), Labcorp
Classification: Uncertain significance. Last evaluated: 2022-03-08. Review status: criteria provided, single submitter. Criteria: Invitae Variant Classification Sherloc (09022015). Collection method: clinical testing. Allele origin: germline.
Comment: ClinVar contains an entry for this variant (Variation ID: 963266). Algorithms developed to predict the effect of missense changes on protein structure and function are either unavailable or do not agree on the potential impact of this missense change (SIFT: "Deleterious"; PolyPhen-2: "Possibly Damaging"; Align-GVGD: "Class C0"). In summary, the available evidence is currently insufficient to determine the role of this variant in disease. Therefore, it has been classified as a Variant of Uncertain Significance. This variant has not been reported in the literature in individuals affected with CIB2-related conditions. This sequence change replaces valine, which is neutral and non-polar, with isoleucine, which is neutral and non-polar, at codon 42 of the CIB2 protein (p.Val42Ile). This variant is present in population databases (rs756400008, gnomAD 0.003%).